The following is an entry in ClinVar:

ClinVar aggregate classification (germline): Uncertain significance. Review status: criteria provided, multiple submitters, no conflicts (2 of 4 stars). 2 submissions from 2 submitters: Uncertain significance (2). Last evaluated 2025-11-20.

Conditions:
Inborn genetic diseases. Identifiers: MedGen C0950123, MeSH D030342.
Developmental and epileptic encephalopathy, 12 (DEE12). Identifiers: MedGen C3150988, MONDO:0013389, OMIM 613722.

Allele frequency attached by ClinVar (database versions not stated): gnomAD exomes below 0.00001 and 0.00001; ExAC 0.00001; gnomAD 0.00001; TOPMed 0.00001.
gnomAD v4.1: 10 of 1,613,420 alleles (0.00062%); highest among the groups gnomAD compares: African/African-American, 0.0013%; no homozygotes.

Submissions (2):

Ambry Genetics
Classification: Uncertain significance for Inborn genetic diseases. Last evaluated: 2025-11-20. Review status: criteria provided, single submitter. Criteria: Ambry Variant Classification Scheme 2023. Collection method: clinical testing. Allele origin: germline.

Labcorp Genetics (formerly Invitae), Labcorp
Classification: Uncertain significance for Developmental and epileptic encephalopathy, 12. Last evaluated: 2021-09-02. Review status: criteria provided, single submitter. Criteria: Invitae Variant Classification Sherloc (09022015). Collection method: clinical testing. Allele origin: germline.
Comment: This sequence change replaces threonine with isoleucine at codon 867 of the PLCB1 protein (p.Thr867Ile). The threonine residue is moderately conserved and there is a moderate physicochemical difference between threonine and isoleucine. This variant is present in population databases (rs746314670, ExAC 0.01%). This variant has not been reported in the literature in individuals affected with PLCB1-related conditions. Algorithms developed to predict the effect of missense changes on protein structure and function (SIFT, PolyPhen-2, Align-GVGD) all suggest that this variant is likely to be tolerated. In summary, the available evidence is currently insufficient to determine the role of this variant in disease. Therefore, it has been classified as a Variant of Uncertain Significance.

NM_015192.4(PLCB1):c.2600C>T (p.Thr867Ile)

Gene: PLCB1 (phospholipase C beta 1; plus strand). Cytogenetic location: 20p12.3.
Variant type: single nucleotide variant.
Coding change: c.2600C>T on transcript NM_015192.4 (MANE Select); coding-DNA position 2600, C replaced by T.
Protein change: p.Thr867Ile; replaces threonine 867 with isoleucine.
Molecular consequence: missense variant.
Genome position (GRCh38, 1-based): chr20:8,757,122, C>T. VCF-style: chr20-8757122-C-T. GRCh37 (hg19) VCF-style: chr20-8737769-C-T.
Other names: c.2600C>T (NM_015192.2); c.2600C>T, p.Thr867Ile (NM_182734.3); short protein forms T867I.
Identifiers: ClinVar variation 854561 (VCV000854561.8), dbSNP rs746314670, ClinGen allele CA9760320.
Genomic context (GRCh38, chr20:8,757,122, plus strand): 5'-CACCATCAGAGGCTCCAAGTGAAGCGAGAACGACTCCAGCAGAAAATGGGGTGAATCACA[C>T]TACAACCCTGACACCCAAGCCACCCTCCCAGGCTCTCCACAGCCAGCCAGCTCCAGGTAA-3'
Protein context (NP_056007.1, residues 857-877): TTPAENGVNH[Thr867Ile]TTLTPKPPSQ